The following is an entry in ClinVar:

NM_002253.4(KDR):c.2509+20T>A

Gene: KDR (kinase insert domain receptor; minus strand). Cytogenetic location: 4q12.
Variant type: single nucleotide variant.
Coding change: c.2509+20T>A on transcript NM_002253.4 (MANE Select); 20 bases into the intron after coding-DNA position 2509, T replaced by A.
Molecular consequence: intron variant.
Genome position (GRCh38, 1-based): chr4:55,098,117, A>T on the plus strand (T>A on the coding strand, the complement: KDR is on the minus strand). VCF-style: chr4-55098117-A-T. GRCh37 (hg19) VCF-style: chr4-55964284-A-T.
Other names: KP774602.
Identifiers: ClinVar variation 204331 (VCV000204331.3), dbSNP rs795902897, ClinGen allele CA251259.
Genomic context (GRCh38, chr4:55,098,117, plus strand): 5'-ACCACATTTGTCATCATTCTAATGGAGGAAGAGATGGCCTGGTAAACACAATATCAAATT[A>T]ATAGCAATTGAAAATGCACCTAGCTTCAGCCGGTCTCTGGGGAATTCCCATTTGCTGGCA-3'

ClinVar aggregate classification (germline): Uncertain significance (0 of 4 stars; one submission).

Conditions:
Carcinoma of colon (CRC). Also called: Colonic carcinoma; Colon carcinoma. Identifiers: MedGen C0699790, MONDO:0002032.

Submission:

Immunobiology Lab; University of Kashmir
Classification: Uncertain significance for Carcinoma of colon. Last evaluated: 2015-01-24. Review status: no assertion criteria provided. Collection method: case-control. Allele origin: somatic. Affected: yes. Study: Mutational Hotspot profiling of Tyrosine Kinase domain of VEGF receptors in Human colorectal tumors.
Comment: The variation(s) were confirmed by double pass sequencing of PCR products amplified from genomic DNA of colonic lesions fron colorectal patients